The following is an entry in ClinVar:

NM_001276270.2(MBD4):c.623C>T (p.Thr208Ile)

Gene: MBD4 (methyl-CpG binding domain 4, DNA glycosylase; minus strand). Cytogenetic location: 3q21.3.
Variant type: single nucleotide variant.
Coding change: c.623C>T on transcript NM_001276270.2 (MANE Select); coding-DNA position 623, C replaced by T.
Protein change: p.Thr208Ile; replaces threonine 208 with isoleucine.
Molecular consequence: missense variant. On other transcripts: intron variant (1).
Genome position (GRCh38, 1-based): chr3:129,437,021, G>A on the plus strand (C>T on the coding strand, the complement: MBD4 is on the minus strand). VCF-style: chr3-129437021-G-A. GRCh37 (hg19) VCF-style: chr3-129155864-G-A.
Other names: c.623C>T, p.Thr208Ile (NM_001276271.2, NM_001276272.2, NM_003925.3); c.247+787C>T (NM_001276273.2); short protein forms T208I.
Identifiers: ClinVar variation 3870886 (VCV003870886.1).

ClinVar aggregate classification (germline): Uncertain significance (1 of 4 stars; one submission).

Conditions:
Inborn genetic diseases. Identifiers: MedGen C0950123, MeSH D030342.

Submission:

Ambry Genetics
Classification: Uncertain significance for Inborn genetic diseases. Last evaluated: 2025-01-04. Review status: criteria provided, single submitter. Criteria: Ambry Variant Classification Scheme 2023. Collection method: clinical testing. Allele origin: germline.
Comment: The p.T208I variant (also known as c.623C>T), located in coding exon 3 of the MBD4 gene, results from a C to T substitution at nucleotide position 623. The threonine at codon 208 is replaced by isoleucine, an amino acid with similar properties. This amino acid position is conserved. In addition, this alteration is predicted to be tolerated by in silico analysis. Based on the available evidence, the clinical significance of this variant remains unclear.